The following is an entry in ClinVar:

ClinVar aggregate classification (germline): Likely benign. Review status: reviewed by expert panel (3 of 4 stars). 4 submissions from 4 submitters: Likely benign (1). 3 of the submissions do not count toward it. Last evaluated 2026-05-04.

Conditions:
Inborn genetic diseases. Identifiers: MedGen C0950123, MeSH D030342.
Hereditary thrombocytopenia and hematological cancer predisposition syndrome associated with RUNX1. Also called: Familial thrombocytopenia with propensity to acute myelogenous leukemia; RUNX1 Familial Platelet Disorder with Associated Myeloid Malignancies; Familial Platelet Disorder with Propensity to Acute Myelogenous Leukemia; PLATELET DISORDER, ASPIRIN-LIKE. Identifiers: Orphanet 71290, MedGen C1832388, MeSH C563324, MONDO:0100083, OMIM 601399.
Hereditary thrombocytopenia and hematologic cancer predisposition syndrome. Identifiers: Orphanet 71290, MedGen CN281654, MONDO:0011071.

Allele frequency attached by ClinVar (database versions not stated): gnomAD exomes below 0.00001.
gnomAD v4.1: 1 of 1,601,466 alleles (0.000062%); highest among the groups gnomAD compares: Non-Finnish European, 0.000085%; no homozygotes.

Submissions (4):

ClinGen Myeloid Malignancy Variant Curation Expert Panel
Classification: Likely benign for Hereditary thrombocytopenia and hematologic cancer predisposition syndrome. Last evaluated: 2026-05-04. Review status: reviewed by expert panel. Criteria: ClinGen MyeloMalig ACMG Specifications V3.1. Collection method: curation. Allele origin: germline. Inheritance: Autosomal dominant inheritance.
Comment: NM_001754.5(RUNX1):c.165G>A (p.Ala55=) is a synonymous variant which has a MAF ≤ 0.00005 in gnomAD v4 across all subpopulations with at least 20x coverage for RUNX1 (PM2_supporting) and has a SpliceAI score ≤ 0.20 (0.1) (BP4, BP7). In summary, this variant meets criteria to be classified as likely benign. ACMG/AMP criteria applied, as specified by the Myeloid Malignancy Variant Curation Expert Panel for RUNX1: PM2_supporting, BP4, BP7.

Ambry Genetics
Classification: Likely benign for Inborn genetic diseases. Last evaluated: 2026-07-04. Review status: criteria provided, single submitter. Criteria: Ambry Variant Classification Scheme 2023. Collection method: clinical testing. Allele origin: germline. Not counted in ClinVar's aggregate classification.

Labcorp Genetics (formerly Invitae), Labcorp
Classification: Likely benign for Hereditary thrombocytopenia and hematological cancer predisposition syndrome associated with RUNX1. Last evaluated: 2017-10-10. Review status: criteria provided, single submitter. Criteria: Invitae Variant Classification Sherloc (09022015). Collection method: clinical testing. Allele origin: germline. Not counted in ClinVar's aggregate classification.

PreventionGenetics, part of Exact Sciences
Classification: Likely benign. Last evaluated: 2017-06-19. Review status: criteria provided, single submitter. Criteria: ACMG Guidelines, 2015. Collection method: clinical testing. Allele origin: germline. Not counted in ClinVar's aggregate classification.

NM_001754.5(RUNX1):c.165G>A (p.Ala55=)

Gene: RUNX1 (RUNX family transcription factor 1; minus strand). Cytogenetic location: 21q22.12.
Variant type: single nucleotide variant.
Coding change: c.165G>A on transcript NM_001754.5 (MANE Select); coding-DNA position 165, G replaced by A.
Protein change: p.Ala55=; no amino-acid change (alanine 55 retained).
Molecular consequence: synonymous variant.
Genome position (GRCh38, 1-based): chr21:34,887,029, C>T on the plus strand (G>A on the coding strand, the complement: RUNX1 is on the minus strand). VCF-style: chr21-34887029-C-T. GRCh37 (hg19) VCF-style: chr21-36259326-C-T.
Other names: NM_001754.5(RUNX1):c.165G>A; c.165G>A (NM_001754.4); c.84G>A, p.Ala28= (NM_001001890.3, NM_001122607.2).
Identifiers: ClinVar variation 532681 (VCV000532681.13), dbSNP rs766206710, ClinGen allele CA512318955.
Genomic context (GRCh38, chr21:34,887,029, plus strand): 5'-GTCGCCGCTCCTCAGCTTGCCGGCCAGGGCAGCGCCGGCGTCCGGGGCGCCCAGCGGCAA[C>T]GCCTCGCTCATCTTGCCTGGGCTCAGCGCGGTGGAAGGCGGCGTGAAGCGGCGGCTCGTG-3'
Protein context (NP_001745.2, residues 45-65): TALSPGKMSE[Ala55=]LPLGAPDAGA